The following is an entry in ClinVar:

NM_001197104.2(KMT2A):c.10745C>A (p.Ser3582Ter)

Gene: KMT2A (lysine methyltransferase 2A; plus strand). Cytogenetic location: 11q23.3.
Variant type: single nucleotide variant.
Coding change: c.10745C>A on transcript NM_001197104.2 (MANE Select); coding-DNA position 10745, C replaced by A.
Protein change: p.Ser3582Ter; replaces serine 3582 with a stop codon.
Molecular consequence: nonsense.
Genome position (GRCh38, 1-based): chr11:118,506,637, C>A. VCF-style: chr11-118506637-C-A. GRCh37 (hg19) VCF-style: chr11-118377352-C-A.
Other names: c.10835C>A, p.Ser3612Ter (NM_001412597.1); c.10736C>A, p.Ser3579Ter (NM_005933.4); short protein forms S3612*, S3579*, S3582*.
Identifiers: ClinVar variation 2921263 (VCV002921263.2), dbSNP rs2497033999, ClinGen allele CA382827175.

ClinVar aggregate classification (germline): Likely pathogenic (1 of 4 stars; one submission).

Conditions:
Wiedemann-Steiner syndrome (WDSTS). Also called: Growth deficiency and mental retardation with facial dysmorphism. Identifiers: Orphanet 319182, MedGen C1854630, MONDO:0011518, OMIM 605130.

Submission:

Pediatrics, Sichuan Provincial Hospital For Women And Children
Classification: Likely pathogenic for Wiedemann-Steiner syndrome. Last evaluated: 2024-02-14. Review status: criteria provided, single submitter. Criteria: ACMG Guidelines, 2015. Collection method: provider interpretation. Allele origin: maternal. Inheritance: Autosomal dominant inheritance. Affected: yes. Observed: 1 hemizygote.
Comment: KMT2A (NM_001197104.2; exon27): c.10745C>A (p. Ser3582Ter) variant，this was classified by American College of Medical Genetics and Genomics (ACMG) assessment, as a suspected likely pathogenic variant (PVS1 + PM2_Supporting+PP3)